The following is an entry in ClinVar:

NM_001191061.2(SLC25A22):c.*107G>A

Gene: SLC25A22 (solute carrier family 25 member 22; minus strand). Cytogenetic location: 11p15.5.
Variant type: single nucleotide variant.
Coding change: c.*107G>A on transcript NM_001191061.2 (MANE Select); 107 bases downstream of the stop codon, G replaced by A.
Molecular consequence: 3 prime UTR variant.
Genome position (GRCh38, 1-based): chr11:791,808, C>T on the plus strand (G>A on the coding strand, the complement: SLC25A22 is on the minus strand). VCF-style: chr11-791808-C-T. GRCh37 (hg19) VCF-style: chr11-791808-C-T.
Other names: c.*107G>A (NM_001191060.2, NM_024698.6).
Identifiers: ClinVar variation 306256 (VCV000306256.30), dbSNP rs4963152, ClinGen allele CA10639491.

ClinVar aggregate classification (germline): Conflicting classifications of pathogenicity. Review status: criteria provided, conflicting classifications (1 of 4 stars). 3 submissions from 3 submitters: Uncertain significance (2); Likely benign (1). Last evaluated 2023-01-01.

Conditions:
Early Myoclonic Encephalopathy. Identifiers: MedGen C0270855.

Allele frequency attached by ClinVar (database versions not stated): 1000 Genomes Project 0.00220; 1000 Genomes Project 30x 0.00250; gnomAD 0.00359 and 0.00380; TOPMed 0.00389.
gnomAD v4.1: 2,880 of 1,432,540 alleles (0.2%); highest among the groups gnomAD compares: African/African-American, 0.89%; 5 homozygotes.

Submissions (3):

CeGaT Center for Human Genetics Tuebingen
Classification: Likely benign. Last evaluated: 2023-01-01. Review status: criteria provided, single submitter. Criteria: CeGaT Center For Human Genetics Tuebingen Variant Classification Criteria Version 2. Collection method: clinical testing. Allele origin: germline. Affected: yes. Observed: 1 variant allele.
Comment: SLC25A22: BS2

Illumina Laboratory Services, Illumina
Classification: Uncertain significance for Developmental and epileptic encephalopathy, 3. Last evaluated: 2018-01-13. Review status: criteria provided, single submitter. Criteria: ICSL Variant Classification Criteria 13 December 2019. Collection method: clinical testing. Allele origin: germline.

Breakthrough Genomics
Classification: Uncertain significance. Review status: criteria provided, single submitter. Criteria: ACMG Guidelines, 2015. Collection method: not provided. Allele origin: germline. Inheritance: Autosomal recessive inheritance. Affected: yes.